The following is an entry in ClinVar:

ClinVar aggregate classification (germline): Conflicting classifications of pathogenicity. Review status: criteria provided, conflicting classifications (1 of 4 stars). 7 submissions from 7 submitters: Likely pathogenic (3); Uncertain significance (4). Last evaluated 2026-09-02.

Conditions:
MAN2B1-related disorder. Also called: MAN2B1-related condition.
Deficiency of alpha-mannosidase (MANSA). Also called: LYSOSOMAL ALPHA-D-MANNOSIDASE DEFICIENCY; Alpha-Mannosidosis; Mannosidosis, alpha-, types I and II. Identifiers: Orphanet 61, MedGen C0024748, MONDO:0009561, OMIM 248500.

Allele frequency attached by ClinVar (database versions not stated): gnomAD exomes 0.00001; ExAC 0.00003; gnomAD 0.00004; TOPMed 0.00005; ESP Exome Variant Server 0.00008.
gnomAD v4.1: 18 of 1,613,534 alleles (0.0011%); highest among the groups gnomAD compares: African/African-American, 0.008%; no homozygotes.

Submissions (7):

PreventionGenetics, part of Exact Sciences
Classification: Uncertain significance for MAN2B1-related condition. Last evaluated: 2026-09-02. Review status: criteria provided, single submitter. Criteria: ACMG Guidelines, 2015. Collection method: clinical testing. Allele origin: germline.
Comment: The MAN2B1 c.2249G>A variant is predicted to result in the amino acid substitution p.Arg750Gln. To our knowledge, this variant has not been reported in the literature. Of note, an alternative missense variant affecting the same amino acid (p.Arg750Trp) has been reported in patients with alpha Mannosidosis (Gotoda et al. 1998. PubMed ID: 9758606; Gheldof et al. 2019. PubMed ID: 30548430). This variant is reported in 0.016% of alleles in individuals of African descent in gnomAD. Although we suspect that this variant may be pathogenic, at this time, the clinical significance of this variant is uncertain due to the absence of conclusive functional and genetic evidence.

Myriad Genetics, Inc.
Classification: Uncertain significance for Deficiency of alpha-mannosidase. Last evaluated: 2026-06-17. Review status: criteria provided, single submitter. Criteria: Myriad Autosomal Dominant, Autosomal Recessive and X-Linked Classification Criteria (2023). Collection method: clinical testing. Allele origin: unknown.
Comment: NM_000528.3(MAN2B1):c.2249G>A(R750Q) is a missense variant classified as a variant of uncertain significance in the context of alpha-mannosidosis. R750Q has not been observed in cases with relevant disease. Relevant functional assessments of this variant are not available in the literature. R750Q has been observed in referenced population frequency databases. In summary, there is insufficient evidence to classify NM_000528.3(MAN2B1):c.2249G>A(R750Q) as pathogenic or benign. Please note: this variant was assessed in the context of healthy population screening.

Labcorp Genetics (formerly Invitae), Labcorp
Classification: Likely pathogenic for Deficiency of alpha-mannosidase. Last evaluated: 2026-01-20. Review status: criteria provided, single submitter. Criteria: Invitae Variant Classification Sherloc (09022015). Collection method: clinical testing. Allele origin: germline.
Comment: This sequence change replaces arginine, which is basic and polar, with glutamine, which is neutral and polar, at codon 750 of the MAN2B1 protein (p.Arg750Gln). This variant is present in population databases (rs373240866, gnomAD 0.02%). This variant has not been reported in the literature in individuals affected with MAN2B1-related conditions. ClinVar contains an entry for this variant (Variation ID: 587572). Invitae Evidence Modeling of protein sequence and biophysical properties (such as structural, functional, and spatial information, amino acid conservation, physicochemical variation, residue mobility, and thermodynamic stability) has been performed for this missense variant. However, the output from this modeling did not meet the statistical confidence thresholds required to predict the impact of this variant on MAN2B1 protein function. This variant disrupts the p.Arg750 amino acid residue in MAN2B1. Other variant(s) that disrupt this residue have been determined to be pathogenic (PMID: 9758606, 9915946, 15035660, 22161967). This suggests that this residue is clinically significant, and that variants that disrupt this residue are likely to be disease-causing. In summary, the currently available evidence indicates that the variant is pathogenic, but additional data are needed to prove that conclusively. Therefore, this variant has been classified as Likely Pathogenic.

First Genomix Gene Laboratory, Genetic Diagnostics Department
Classification: Likely pathogenic for Deficiency of alpha-mannosidase. Last evaluated: 2025-06-02. Review status: criteria provided, single submitter. Criteria: ACMG Guidelines, 2015. Collection method: clinical testing. Allele origin: germline. Inheritance: Autosomal recessive inheritance. Affected: no. Observed: 1 variant allele.

Genome-Nilou Lab
Classification: Uncertain significance for Deficiency of alpha-mannosidase. Last evaluated: 2021-07-14. Review status: criteria provided, single submitter. Criteria: ACMG Guidelines, 2015. Collection method: clinical testing. Allele origin: germline. Affected: no.

Genomic Research Center, Shahid Beheshti University of Medical Sciences
Classification: Uncertain significance for Deficiency of alpha-mannosidase. Last evaluated: 2018-08-07. Review status: criteria provided, single submitter. Criteria: ACMG Guidelines, 2015. Collection method: clinical testing. Allele origin: inherited. Affected: no. Observed: 1 variant allele.

Kariminejad - Najmabadi Pathology & Genetics Center
Classification: Likely pathogenic for Deficiency of alpha-mannosidase. Review status: criteria provided, single submitter. Criteria: ACMG Guidelines, 2015. Collection method: clinical testing. Allele origin: germline. Affected: no.

Literature cited by the submitters: PubMed 9758606 (cited by Labcorp Genetics (formerly Invitae), Labcorp); PubMed 9915946 (cited by Labcorp Genetics (formerly Invitae), Labcorp); PubMed 15035660 (cited by Labcorp Genetics (formerly Invitae), Labcorp); PubMed 22161967 (cited by Labcorp Genetics (formerly Invitae), Labcorp).

NM_000528.4(MAN2B1):c.2249G>A (p.Arg750Gln)

Gene: MAN2B1 (mannosidase alpha class 2B member 1; minus strand). Cytogenetic location: 19p13.13.
Variant type: single nucleotide variant.
Coding change: c.2249G>A on transcript NM_000528.4 (MANE Select); coding-DNA position 2249, G replaced by A.
Protein change: p.Arg750Gln; replaces arginine 750 with glutamine.
Molecular consequence: missense variant.
Genome position (GRCh38, 1-based): chr19:12,649,931, C>T on the plus strand (G>A on the coding strand, the complement: MAN2B1 is on the minus strand). VCF-style: chr19-12649931-C-T. GRCh37 (hg19) VCF-style: chr19-12760745-C-T.
Other names: c.2246G>A, p.Arg749Gln (NM_001173498.2); short protein forms R750Q, R749Q.
Identifiers: ClinVar variation 587572 (VCV000587572.15), dbSNP rs373240866, ClinGen allele CA9226148.